The following is an entry in ClinVar:

NM_017534.6(MYH2):c.2654C>T (p.Thr885Met)

Genes: MYHAS (myosin heavy chain gene cluster antisense RNA; plus strand), MYH2 (myosin heavy chain 2; minus strand). Cytogenetic location: 17p13.1.
Variant type: single nucleotide variant.
Coding change: c.2654C>T on transcript NM_017534.6 (MANE Select); coding-DNA position 2654, C replaced by T.
Protein change: p.Thr885Met; replaces threonine 885 with methionine.
Molecular consequence: missense variant.
Genome position (GRCh38, 1-based): chr17:10,531,676, G>A on the plus strand (C>T on the coding strand, the complement: MYH2 is on the minus strand). VCF-style: chr17-10531676-G-A. GRCh37 (hg19) VCF-style: chr17-10434993-G-A.
Other names: c.2654C>T, p.Thr885Met (NM_001100112.2); short protein forms T885M.
Identifiers: ClinVar variation 321682 (VCV000321682.15), dbSNP rs150566222, ClinGen allele CA8391090.

ClinVar aggregate classification (germline): Uncertain significance. Review status: criteria provided, multiple submitters, no conflicts (2 of 4 stars). 3 submissions from 3 submitters: Uncertain significance (3). Last evaluated 2025-03-10.

Conditions:
Myopathy, proximal, and ophthalmoplegia (CMYO6). Also called: MYOPATHY WITH CONGENITAL JOINT CONTRACTURES, OPHTHALMOPLEGIA, AND RIMMED VACUOLES; INCLUSION BODY MYOPATHY 3, AUTOSOMAL DOMINANT; CONGENITAL MYOPATHY 6 WITH OPHTHALMOPLEGIA. Identifiers: Orphanet 363677, Orphanet 79091, MedGen C1854106, MONDO:0011577, OMIM 605637.

Allele frequency attached by ClinVar (database versions not stated): gnomAD 0.00001 and 0.00004; gnomAD exomes 0.00004 and 0.00006; ExAC 0.00006; ESP Exome Variant Server 0.00008; TOPMed 0.00014; 1000 Genomes Project 30x 0.00016; 1000 Genomes Project 0.00020.
gnomAD v4.1: 57 of 1,614,088 alleles (0.0035%); highest among the groups gnomAD compares: East Asian, 0.013%; no homozygotes.

Submissions (3):

Labcorp Genetics (formerly Invitae), Labcorp
Classification: Uncertain significance for Myopathy, proximal, and ophthalmoplegia. Last evaluated: 2025-03-10. Review status: criteria provided, single submitter. Criteria: Invitae Variant Classification Sherloc (09022015). Collection method: clinical testing. Allele origin: germline.
Comment: This sequence change replaces threonine, which is neutral and polar, with methionine, which is neutral and non-polar, at codon 885 of the MYH2 protein (p.Thr885Met). This variant is present in population databases (rs150566222, gnomAD 0.01%). This variant has not been reported in the literature in individuals affected with MYH2-related conditions. ClinVar contains an entry for this variant (Variation ID: 321682). Invitae Evidence Modeling of protein sequence and biophysical properties (such as structural, functional, and spatial information, amino acid conservation, physicochemical variation, residue mobility, and thermodynamic stability) indicates that this missense variant is expected to disrupt MYH2 protein function with a positive predictive value of 80%. In summary, the available evidence is currently insufficient to determine the role of this variant in disease. Therefore, it has been classified as a Variant of Uncertain Significance.

Revvity Omics, Revvity
Classification: Uncertain significance for Myopathy, proximal, and ophthalmoplegia. Last evaluated: 2023-03-09. Review status: criteria provided, single submitter. Criteria: ACMG Guidelines, 2015. Collection method: clinical testing. Allele origin: germline.

GeneDx
Classification: Uncertain significance. Last evaluated: 2022-03-03. Review status: criteria provided, single submitter. Criteria: GeneDx Variant Classification Process June 2021. Collection method: clinical testing. Allele origin: germline. Affected: yes.
Comment: In silico analysis supports that this missense variant does not alter protein structure/function; Has not been previously published as pathogenic or benign to our knowledge